The following is an entry in ClinVar:

ClinVar aggregate classification (germline): Uncertain significance. Review status: criteria provided, multiple submitters, no conflicts (2 of 4 stars). 2 submissions from 2 submitters: Uncertain significance (2). Last evaluated 2025-07-31.

Conditions:
Perlman syndrome (PRLMNS). Identifiers: Orphanet 2849, MedGen C0796113, MONDO:0009965, OMIM 267000.
Inborn genetic diseases. Identifiers: MedGen C0950123, MeSH D030342.

Allele frequency attached by ClinVar (database versions not stated): TOPMed 0.00001; ExAC 0.00002; gnomAD exomes 0.00002; gnomAD 0.00003 and 0.00004.
gnomAD v4.1: 20 of 1,610,712 alleles (0.0012%); highest among the groups gnomAD compares: East Asian, 0.0022%; no homozygotes.

Submissions (2):

Labcorp Genetics (formerly Invitae), Labcorp
Classification: Uncertain significance for Perlman syndrome. Last evaluated: 2025-07-31. Review status: criteria provided, single submitter. Criteria: Invitae Variant Classification Sherloc (09022015). Collection method: clinical testing. Allele origin: germline.
Comment: This sequence change replaces valine, which is neutral and non-polar, with leucine, which is neutral and non-polar, at codon 113 of the DIS3L2 protein (p.Val113Leu). This variant is present in population databases (rs766049780, gnomAD 0.01%). This variant has not been reported in the literature in individuals affected with DIS3L2-related conditions. ClinVar contains an entry for this variant (Variation ID: 835088). Invitae Evidence Modeling of protein sequence and biophysical properties (such as structural, functional, and spatial information, amino acid conservation, physicochemical variation, residue mobility, and thermodynamic stability) indicates that this missense variant is not expected to disrupt DIS3L2 protein function with a negative predictive value of 80%. In summary, the available evidence is currently insufficient to determine the role of this variant in disease. Therefore, it has been classified as a Variant of Uncertain Significance.

Ambry Genetics
Classification: Uncertain significance for Inborn genetic diseases. Last evaluated: 2024-08-27. Review status: criteria provided, single submitter. Criteria: Ambry Variant Classification Scheme 2023. Collection method: clinical testing. Allele origin: germline.

NM_152383.5(DIS3L2):c.337G>C (p.Val113Leu)

Gene: DIS3L2 (DIS3 like 3'-5' exoribonuclease 2; plus strand). Cytogenetic location: 2q37.1.
Variant type: single nucleotide variant.
Coding change: c.337G>C on transcript NM_152383.5 (MANE Select); coding-DNA position 337, G replaced by C.
Protein change: p.Val113Leu; replaces valine 113 with leucine.
Molecular consequence: missense variant. On other transcripts: non-coding transcript variant (2).
Genome position (GRCh38, 1-based): chr2:232,030,051, G>C. VCF-style: chr2-232030051-G-C. GRCh37 (hg19) VCF-style: chr2-232894761-G-C.
Other names: c.337G>C, p.Val113Leu (NM_001257281.2, NM_001257282.2); short protein forms V113L.
Identifiers: ClinVar variation 835088 (VCV000835088.10), dbSNP rs766049780, ClinGen allele CA2163797.
Genomic context (GRCh38, chr2:232,030,051, plus strand): 5'-GACATTTTTATTGATGGGGTTGTTGCTCGTAATAGAGCCTTAAATGGGGATCTGGTGGTC[G>C]TGAAACTGCTTCCCGAGGAGCATTGGAAGGTGAGTTAAGTTTTCCCTTTCTAATTACAGA-3'
Protein context (NP_689596.4, residues 103-123): NRALNGDLVV[Val113Leu]KLLPEEHWKV